The following is an entry in ClinVar:

NM_002010.3(FGF9):c.*1266A>G

Gene: FGF9 (fibroblast growth factor 9; plus strand). Cytogenetic location: 13q12.11.
Variant type: single nucleotide variant.
Coding change: c.*1266A>G on transcript NM_002010.3 (MANE Select); 1266 bases downstream of the stop codon, A replaced by G.
Molecular consequence: 3 prime UTR variant.
Genome position (GRCh38, 1-based): chr13:21,702,701, A>G. VCF-style: chr13-21702701-A-G. GRCh37 (hg19) VCF-style: chr13-22276840-A-G.
Identifiers: ClinVar variation 311455 (VCV000311455.5), dbSNP rs370206395, ClinGen allele CA10639163.
Genomic context (GRCh38, chr13:21,702,701, plus strand): 5'-AAGAATCAGATTAACAGGATCATACTTGTAAACTTTTTTTGGTTCACTTGGCTATCAAAT[A>G]TGAAATTATAGAAGTATCATAGGGGTCATTGTAACATCTTTTAGAGAAAATGGCTATCAG-3'

ClinVar aggregate classification (germline): Benign (1 of 4 stars; one submission).

Conditions:
Multiple synostoses syndrome 3 (SYNS3). Identifiers: Orphanet 3237, MedGen C2751826, MONDO:0013064, OMIM 612961.

Allele frequency attached by ClinVar (database versions not stated): gnomAD 0.00174 and 0.00192; TOPMed 0.00199; 1000 Genomes Project 0.00200; 1000 Genomes Project 30x 0.00297.
gnomAD v4.1: 264 of 152,378 alleles (0.17%); highest among the groups gnomAD compares: African/African-American, 0.6%; no homozygotes.

Submission:

Illumina Laboratory Services, Illumina
Classification: Benign for Multiple synostoses syndrome 3. Last evaluated: 2018-01-13. Review status: criteria provided, single submitter. Criteria: ICSL Variant Classification Criteria 13 December 2019. Collection method: clinical testing. Allele origin: germline.
Comment: This variant was observed in the ICSL laboratory as part of a predisposition screen in an ostensibly healthy population. It had not been previously curated by ICSL or reported in the Human Gene Mutation Database (HGMD: prior to June 1st, 2018), and was therefore a candidate for classification through an automated scoring system. Utilizing variant allele frequency, disease prevalence and penetrance estimates, and inheritance mode, an automated score was calculated to assess if this variant is too frequent to cause the disease. Based on the score and internal cut-off values, a variant classified as benign is not then subjected to further curation. The score for this variant resulted in a classification of benign for this disease.